The following is an entry in ClinVar:

ClinVar aggregate classification (germline): Uncertain significance (1 of 4 stars; one submission).

Conditions:
Charcot-Marie-Tooth disease axonal type 2O. Also called: CHARCOT-MARIE-TOOTH NEUROPATHY, AXONAL, TYPE 2O; CHARCOT-MARIE-TOOTH DISEASE, AXONAL, AUTOSOMAL DOMINANT, TYPE 2O; Charcot-Marie-Tooth Neuropathy Type 2O; Charcot-Marie-Tooth disease, axonal, type 20. Identifiers: Orphanet 284232, MedGen C3280220, MONDO:0013644, OMIM 614228.

Submission:

Labcorp Genetics (formerly Invitae), Labcorp
Classification: Uncertain significance for Charcot-Marie-Tooth disease axonal type 2O. Last evaluated: 2023-09-11. Review status: criteria provided, single submitter. Criteria: Invitae Variant Classification Sherloc (09022015). Collection method: clinical testing. Allele origin: germline.
Comment: In summary, the available evidence is currently insufficient to determine the role of this variant in disease. Therefore, it has been classified as a Variant of Uncertain Significance. This variant has not been reported in the literature in individuals affected with DYNC1H1-related conditions. This sequence change creates a premature translational stop signal (p.Asn4506Lysfs*58) in the DYNC1H1 gene. It is expected to result in an absent or disrupted protein product. However, the current clinical and genetic evidence is not sufficient to establish whether loss-of-function variants in DYNC1H1 cause disease. This variant is not present in population databases (gnomAD no frequency).

NM_001376.5(DYNC1H1):c.13518del (p.Asn4506fs)

Gene: DYNC1H1 (dynein cytoplasmic 1 heavy chain 1; plus strand). Cytogenetic location: 14q32.31.
Variant type: Deletion.
Coding change: c.13518del on transcript NM_001376.5 (MANE Select); coding-DNA position 13518, one base deleted (C; older notation c.13518delC).
Protein change: p.Asn4506fs; shifts the reading frame from asparagine 4506.
Molecular consequence: frameshift variant.
Genome position (GRCh38, 1-based): chr14:102,049,716, C deleted. VCF-style (leftmost placement, unchanged base first): chr14-102049715-AC-A. GRCh37 (hg19) VCF-style: chr14-102516052-AC-A.
Other names: short protein forms N4506fs.
Identifiers: ClinVar variation 2760087 (VCV002760087.3), dbSNP rs2503889406, ClinGen allele CA2697554205.